The following is an entry in ClinVar:

ClinVar aggregate classification (germline): Pathogenic (1 of 4 stars; one submission).

Conditions:
Primary ciliary dyskinesia. Also called: Ciliary dyskinesia. Identifiers: Orphanet 244, MedGen C0008780, MONDO:0016575, HP:0012265.

Submission:

Labcorp Genetics (formerly Invitae), Labcorp
Classification: Pathogenic for Primary ciliary dyskinesia. Last evaluated: 2017-03-09. Review status: criteria provided, single submitter. Criteria: Invitae Variant Classification Sherloc (09022015). Collection method: clinical testing. Allele origin: germline.
Comment: For these reasons, this variant has been classified as Pathogenic. While this particular variant has not been reported in the literature, loss-of-function variants in DNAH5 are known to be pathogenic (PMID: 16627867, 11788826). This sequence change inserts 1 nucleotide in exon 11 of the DNAH5 mRNA (c.1517dupA), causing a frameshift at codon 506. This creates a premature translational stop signal (p.Asp506Glufs*5) and is expected to result in an absent or disrupted protein product.

Literature cited by the submitters: PubMed 16627867; PubMed 11788826.

NM_001369.3(DNAH5):c.1517dup (p.Asp506fs)

Gene: DNAH5 (dynein axonemal heavy chain 5; minus strand). Cytogenetic location: 5p15.2.
Variant type: Duplication.
Coding change: c.1517dup on transcript NM_001369.3 (MANE Select); coding-DNA position 1517, one base duplicated (A; older notation c.1517dupA).
Protein change: p.Asp506fs; shifts the reading frame from aspartic acid 506.
Molecular consequence: frameshift variant.
Genome position (GRCh38, 1-based): chr5:13,913,762, T duplicated on the plus strand (A on the coding strand, the reverse complement: DNAH5 is on the minus strand). VCF-style (leftmost placement, unchanged base first): chr5-13913761-G-GT. GRCh37 (hg19) VCF-style: chr5-13913870-G-GT.
Other names: c.1517dupA (NM_001369.2); short protein forms D506fs.
Identifiers: ClinVar variation 454749 (VCV000454749.7), dbSNP rs1554101045, ClinGen allele CA658657431.
Genomic context (GRCh38, chr5:13,913,761, plus strand): 5'-GTTGTGGATTATGTTATAAAATATAGCTTTAAAGTACAATACCTGGTATTTAGTGGCCAT[G>GT]TCTTCCAGCCCTTCAATTGTGGAATCTTGCAGGACTGAATACGTCTTGAGGGTTGTAAAG-3'